The following is an entry in ClinVar:

NM_000051.4(ATM):c.5805_5815delinsATT (p.Asp1935fs)

Genes: ATM (ATM serine/threonine kinase; plus strand), C11orf65 (chromosome 11 open reading frame 65; minus strand). Cytogenetic location: 11q22.3.
Variant type: Indel.
Coding change: c.5805_5815delinsATT on transcript NM_000051.4 (MANE Select); coding-DNA positions 5805 to 5815, TTTAAATTATC replaced by ATT.
Protein change: p.Asp1935fs; shifts the reading frame from aspartic acid 1935.
Molecular consequence: frameshift variant. On other transcripts: intron variant (2).
Genome position (GRCh38, 1-based): chr11:108,310,202-108,310,212, TTTAAATTATC replaced by ATT. VCF-style: chr11-108310202-TTTAAATTATC-ATT. GRCh37 (hg19) VCF-style: chr11-108180929-TTTAAATTATC-ATT.
Other names: c.5805_5815delTTTAAATTATCinsATT, p.Asp1935Glufs (NM_000051.3); c.5805_5815delinsATT, p.Asp1935fs (NM_001351834.2); c.641-1141_641-1131delinsAAT (NM_001330368.2); c.*39-1141_*39-1131delinsAAT (NM_001351110.2); c.5805_5815del11insATT (NM_000051.3); short protein forms D1935fs.
Identifiers: ClinVar variation 647164 (VCV000647164.9), dbSNP rs1591745745, ClinGen allele CA915947639.
Genomic context (GRCh38, chr11:108,310,202, plus strand): 5'-TATCTCATTTTTCTTTAGACCTTCTTCAGGAACAATTTTTAATGATGCTTTCTGGCTGGA[TTTAAATTATC>ATT]TAGAAGTTGCCAAGGTAGCTCAGTCTTGTGCTGCTCACTTTACAGCTTTACTCTATGCAG-3'

ClinVar aggregate classification (germline): Pathogenic. Review status: criteria provided, multiple submitters, no conflicts (2 of 4 stars). 4 submissions from 4 submitters: Pathogenic (4). Last evaluated 2024-01-26.

Conditions:
Hereditary cancer-predisposing syndrome. Also called: Tumor predisposition; Hereditary neoplastic syndrome; Neoplastic Syndromes, Hereditary; Hereditary Cancer Syndrome. Identifiers: Orphanet 140162, MedGen C0027672, MeSH D009386, MONDO:0015356.
Ataxia-telangiectasia syndrome (AT). Also called: Ataxia-telangiectasia, complementation group D; AT, COMPLEMENTATION GROUP C; ATAXIA-TELANGIECTASIA, COMPLEMENTATION GROUP A; ATAXIA-TELANGIECTASIA, FRESNO VARIANT; Ataxia-telangiectasia; LOUIS-BAR SYNDROME. Identifiers: Orphanet 100, MedGen C0004135, MONDO:0008840, OMIM 208900.
Familial cancer of breast. Also called: Hereditary breast cancer; BREAST CANCER, FAMILIAL; hereditary breast carcinoma. Identifiers: Orphanet 227535, MedGen C0346153, MONDO:0016419, OMIM 114480. Disease mechanism: loss of function.

Submissions (4):

Myriad Genetics, Inc.
Classification: Pathogenic for Familial cancer of breast. Last evaluated: 2024-01-26. Review status: criteria provided, single submitter. Criteria: Myriad Autosomal Dominant, Autosomal Recessive and X-Linked Classification Criteria (2023). Collection method: clinical testing. Allele origin: unknown.
Comment: This variant is considered pathogenic. This variant creates a frameshift predicted to result in premature protein truncation.

Color Diagnostics, LLC DBA Color Health
Classification: Pathogenic for Hereditary cancer-predisposing syndrome. Last evaluated: 2022-05-23. Review status: criteria provided, single submitter. Criteria: ACMG Guidelines, 2015. Collection method: clinical testing. Allele origin: germline.
Comment: This variant causes a frameshift and premature stop codon in exon 39 of the ATM protein. This variant has not been reported in individuals affected with hereditary cancer in the literature. This variant has not been identified in the general population by the Genome Aggregation Database (gnomAD). Loss of ATM function is a known mechanism of disease. Based on the available evidence, this variant is classified as Pathogenic.

Ambry Genetics
Classification: Pathogenic for Hereditary cancer-predisposing syndrome. Last evaluated: 2022-03-01. Review status: criteria provided, single submitter. Criteria: Ambry Variant Classification Scheme 2023. Collection method: clinical testing. Allele origin: germline.
Comment: The c.5805_5815del11insATT pathogenic mutation, located in coding exon 38 of the ATM gene, results from the deletion of 11 nucleotides and insertion of 3 nucleotides causing a translational frameshift with a predicted alternate stop codon (p.D1935Efs*27). This variant is considered to be rare based on population cohorts in the Genome Aggregation Database (gnomAD). This alteration is expected to result in loss of function by premature protein truncation or nonsense-mediated mRNA decay. As such, this alteration is interpreted as a disease-causing mutation.

Labcorp Genetics (formerly Invitae), Labcorp
Classification: Pathogenic for Ataxia-telangiectasia syndrome. Last evaluated: 2018-07-11. Review status: criteria provided, single submitter. Criteria: Invitae Variant Classification Sherloc (09022015). Collection method: clinical testing. Allele origin: germline.
Comment: For these reasons, this variant has been classified as Pathogenic. Loss-of-function variants in ATM are known to be pathogenic (PMID: 23807571, 25614872). This variant has not been reported in the literature in individuals with ATM-related disease. This variant is not present in population databases (ExAC no frequency). This sequence change creates a premature translational stop signal (p.Asp1935Glufs*27) in the ATM gene. It is expected to result in an absent or disrupted protein product.

Literature cited by the submitters: PubMed 23807571 (cited by Labcorp Genetics (formerly Invitae), Labcorp); PubMed 25614872 (cited by Labcorp Genetics (formerly Invitae), Labcorp).